The following is an entry in ClinVar:

NM_016357.5(LIMA1):c.237A>G (p.Pro79=)

Gene: LIMA1 (LIM domain and actin binding 1; minus strand). Cytogenetic location: 12q13.12.
Variant type: single nucleotide variant.
Coding change: c.237A>G on transcript NM_016357.5 (MANE Select); coding-DNA position 237, A replaced by G.
Protein change: p.Pro79=; no amino-acid change (proline 79 retained).
Molecular consequence: synonymous variant. On other transcripts: 5 prime UTR variant (1), intron variant (1).
Genome position (GRCh38, 1-based): chr12:50,222,414, T>C on the plus strand (A>G on the coding strand, the complement: LIMA1 is on the minus strand). VCF-style: chr12-50222414-T-C. GRCh37 (hg19) VCF-style: chr12-50616197-T-C.
Other names: c.237A>G, p.Pro79= (NM_001113546.2, NM_001394886.1, NM_001394887.1 and 5 more transcripts); c.-244A>G (NM_001113547.2); c.166-202A>G (NM_001394893.1).
Identifiers: ClinVar variation 3060422 (VCV003060422.3), dbSNP rs528872075, ClinGen allele CA6562814.

ClinVar aggregate classification (germline): Likely benign. Review status: criteria provided, single submitter (1 of 4 stars). 2 submissions from 2 submitters: Likely benign (1). 1 of the submissions does not count toward it. Last evaluated 2024-11-21.

Conditions:
LIMA1-related disorder. Also called: LIMA1-related condition.

Allele frequency attached by ClinVar (database versions not stated): gnomAD exomes 0.00047; gnomAD 0.00080; TOPMed 0.00142; ExAC 0.00149.
gnomAD v4.1: 788 of 1,614,194 alleles (0.049%); highest among the groups gnomAD compares: Admixed American, 1.3%; 7 homozygotes.

Submissions (2):

Blueprint Genetics
Classification: Likely benign. Last evaluated: 2024-11-21. Review status: criteria provided, single submitter. Criteria: ACMG Guidelines, 2015. Collection method: clinical testing. Allele origin: germline.

PreventionGenetics, part of Exact Sciences
Classification: Benign for LIMA1-related condition. Last evaluated: 2019-09-05. Review status: no assertion criteria provided. Collection method: clinical testing. Allele origin: germline. Not counted in ClinVar's aggregate classification.
Comment: This variant is classified as benign based on ACMG/AMP sequence variant interpretation guidelines (Richards et al. 2015 PMID: 25741868, with internal and published modifications).